The following is an entry in ClinVar:

NM_001999.4(FBN2):c.1899del (p.Asn634fs)

Gene: FBN2 (fibrillin 2; minus strand). Cytogenetic location: 5q23.3.
Variant type: Deletion.
Coding change: c.1899del on transcript NM_001999.4 (MANE Select); coding-DNA position 1899, one base deleted (C; older notation c.1899delC).
Protein change: p.Asn634fs; shifts the reading frame from asparagine 634.
Molecular consequence: frameshift variant.
Genome position (GRCh38, 1-based): chr5:128,376,804, G deleted on the plus strand (C on the coding strand, the reverse complement: FBN2 is on the minus strand). VCF-style (leftmost placement, unchanged base first): chr5-128376803-TG-T. GRCh37 (hg19) VCF-style: chr5-127712496-TG-T.
Other names: short protein forms N634fs.
Identifiers: ClinVar variation 809797 (VCV000809797.44), dbSNP rs1581250307, ClinGen allele CA915942643.
Genomic context (GRCh38, chr5:128,376,803, plus strand): 5'-GCCCATTTGGAGCCAAGACAAATCCTGGTTTGCAGATGCACTTGAAGCTGCCATCTTCAT[TG>T]ATGCACATTCCATTCAAACACATGTTGGTAGTTGTACATTCATCATGATCTGCAGAAGAG-3'

ClinVar aggregate classification (germline): Conflicting classifications of pathogenicity. Review status: criteria provided, conflicting classifications (1 of 4 stars). 2 submissions from 2 submitters: Likely pathogenic (1); Uncertain significance (1). Last evaluated 2020-05-21.

Conditions:
Congenital contractural arachnodactyly (CCA). Also called: Arthrogryposis, distal, type 9; Beals-Hecht syndrome; BEALS SYNDROME. Identifiers: Orphanet 115, MedGen C0220668, MONDO:0007363, OMIM 121050.

Submissions (2):

Victorian Clinical Genetics Services, Murdoch Childrens Research Institute
Classification: Likely pathogenic for Congenital contractural arachnodactyly. Last evaluated: 2020-05-21. Review status: criteria provided, single submitter. Criteria: ACMG Guidelines, 2015. Collection method: clinical testing. Allele origin: germline. Inheritance: Autosomal dominant inheritance. Affected: yes.
Comment: Based on the classification scheme VCGS_Germline_v1.1.1, this variant is classified as LIKELY PATHOGENIC. Following criteria are met: 0102 - Loss-of-function is a known mechanism of disease for this gene. (N) 0107 - This gene is known to be associated with autosomal dominant disease. (N) 0201 - Variant is predicted to cause nonsense-mediated decay (NMD) and loss of protein (exon 14 of 65). (P) 0251 - Variant is heterozygous. (N) 0301 - Variant is absent from gnomAD. (P) 0703 - Comparable variants have moderate previous evidence for pathogenicity (ClinVar, Gupta, PA. et al. (2002)). (P) 0807 - Variant has not previously been reported in a clinical context. (N) 0905 - No segregation evidence has been identified for this variant. (N) 1007 - No published functional evidence has been identified for this variant. (N) 1208 - Inheritance information for this variant is not currently available. (N) Legend: (P) - Pathogenic, (N) - Neutral, (B) - Benign

CeGaT Center for Human Genetics Tuebingen
Classification: Uncertain significance. Last evaluated: 2019-04-01. Review status: criteria provided, single submitter. Criteria: CeGaT Center For Human Genetics Tuebingen Variant Classification Criteria Version 2. Collection method: clinical testing. Allele origin: germline. Affected: yes. Observed: 3 variant alleles.

Literature cited by the submitters: PubMed 11754102 (cited by Victorian Clinical Genetics Services, Murdoch Childrens Research Institute).